The following is an entry in ClinVar:

NM_018406.7(MUC4):c.4443A>G (p.Val1481=)

Gene: MUC4 (mucin 4, cell surface associated). Cytogenetic location: 3q29.
Variant type: single nucleotide variant.
Coding change: c.4443A>G on transcript NM_018406.7 (MANE Select); coding-DNA position 4443, A replaced by G.
Protein change: p.Val1481=; no amino-acid change (valine 1481 retained).
Molecular consequence: synonymous variant. On other transcripts: genic upstream transcript variant (2).
Genome position (GRCh38, 1-based): chr3:195,787,137, T>C on the plus strand (A>G on the coding strand, the complement: MUC4 is on the minus strand). VCF-style: chr3-195787137-T-C. GRCh37 (hg19) VCF-style: chr3-195514008-T-C.
Other names: c.5898A>G, p.Ala1966= (NM_001322468.1); c.83-12832A>G (NM_138297.5); c.83-8682A>G (NM_004532.6).
Identifiers: ClinVar variation 2654474 (VCV002654474.24), dbSNP rs200941876, ClinGen allele CA90783330.

ClinVar aggregate classification (germline): Likely benign (1 of 4 stars; one submission).

Submission:

CeGaT Center for Human Genetics Tuebingen
Classification: Likely benign. Last evaluated: 2022-07-01. Review status: criteria provided, single submitter. Criteria: CeGaT Center For Human Genetics Tuebingen Variant Classification Criteria Version 2. Collection method: clinical testing. Allele origin: germline. Affected: yes. Observed: 3 variant alleles.
Comment: MUC4: PM2:Supporting, BP4, BP7